The following is an entry in ClinVar:

NM_145059.3(FCSK):c.49C>T (p.Gln17Ter)

Gene: FCSK (fucose kinase; plus strand). Cytogenetic location: 16q22.1.
Variant type: single nucleotide variant.
Coding change: c.49C>T on transcript NM_145059.3 (MANE Select); coding-DNA position 49, C replaced by T.
Protein change: p.Gln17Ter; replaces glutamine 17 with a stop codon.
Molecular consequence: nonsense.
Genome position (GRCh38, 1-based): chr16:70,463,239, C>T. VCF-style: chr16-70463239-C-T. GRCh37 (hg19) VCF-style: chr16-70497142-C-T.
Other names: short protein forms Q17*.
Identifiers: ClinVar variation 3000867 (VCV003000867.3), dbSNP rs753175029, ClinGen allele CA8142701.

ClinVar aggregate classification (germline): Uncertain significance. Review status: criteria provided, multiple submitters, no conflicts (2 of 4 stars). 2 submissions from 2 submitters: Uncertain significance (2). Last evaluated 2024-04-04.

Allele frequency attached by ClinVar (database versions not stated): gnomAD exomes 0.00002; ExAC 0.00003; gnomAD 0.00003; TOPMed 0.00003.
gnomAD v4.1: 36 of 1,613,930 alleles (0.0022%); highest among the groups gnomAD compares: Admixed American, 0.033%; no homozygotes.

Submissions (2):

Women's Health and Genetics/Laboratory Corporation of America, LabCorp
Classification: Uncertain significance. Last evaluated: 2024-04-04. Review status: criteria provided, single submitter. Criteria: LabCorp Variant Classification Summary - May 2015. Collection method: clinical testing. Allele origin: germline.
Comment: Variant summary: FCSK c.49C>T (p.Gln17X) results in a premature termination codon, predicted to cause a truncation of the encoded protein or absence of the protein due to nonsense mediated decay, however the molecular mechanism of disease attributed to FCSK is currently unknown. The variant allele was found at a frequency of 2.2e-05 in 1613930 control chromosomes. To our knowledge, no occurrence of c.49C>T in individuals affected with Congenital Disorder Of Glycosylation With Defective Fucosylation and no experimental evidence demonstrating its impact on protein function have been reported. ClinVar contains an entry for this variant (Variation ID: 3000867). Based on the evidence outlined above, the variant was classified as uncertain significance.

Labcorp Genetics (formerly Invitae), Labcorp
Classification: Uncertain significance. Last evaluated: 2023-10-22. Review status: criteria provided, single submitter. Criteria: Invitae Variant Classification Sherloc (09022015). Collection method: clinical testing. Allele origin: germline.
Comment: This sequence change creates a premature translational stop signal (p.Gln17*) in the FUK gene. It is expected to result in an absent or disrupted protein product. However, the current clinical and genetic evidence is not sufficient to establish whether loss-of-function variants in FUK cause disease. This variant is present in population databases (rs753175029, gnomAD 0.05%). This variant has not been reported in the literature in individuals affected with FUK-related conditions. In summary, the available evidence is currently insufficient to determine the role of this variant in disease. Therefore, it has been classified as a Variant of Uncertain Significance.